The following is an entry in ClinVar:

NM_005027.4(PIK3R2):c.60G>A (p.Pro20=)

Gene: PIK3R2 (phosphoinositide-3-kinase regulatory subunit 2; plus strand). Cytogenetic location: 19p13.11.
Variant type: single nucleotide variant.
Coding change: c.60G>A on transcript NM_005027.4 (MANE Select); coding-DNA position 60, G replaced by A.
Protein change: p.Pro20=; no amino-acid change (proline 20 retained).
Molecular consequence: synonymous variant. On other transcripts: non-coding transcript variant (2).
Genome position (GRCh38, 1-based): chr19:18,155,939, G>A. VCF-style: chr19-18155939-G-A. GRCh37 (hg19) VCF-style: chr19-18266749-G-A.
Other names: c.60G>A (NM_005027.3).
Identifiers: ClinVar variation 2048024 (VCV002048024.6), dbSNP rs778383604, ClinGen allele CA9306639.
Genomic context (GRCh38, chr19:18,155,939, plus strand): 5'-CATGGCGGGCCCTGAGGGCTTCCAGTACCGCGCTCTGTACCCGTTCCGCCGGGAGCGGCC[G>A]GAGGACCTGGAGCTGCTGCCCGGCGACGTGCTGGTAGTGAGCCGGGCGGCCTTGCAGGCG-3'
Protein context (NP_005018.2, residues 10-30): RALYPFRRER[Pro20=]EDLELLPGDV

ClinVar aggregate classification (germline): Likely benign. Review status: criteria provided, single submitter (1 of 4 stars). 2 submissions from 2 submitters: Likely benign (1). 1 of the submissions does not count toward it. Last evaluated 2023-07-12.

Conditions:
Megalencephaly-polymicrogyria-postaxial polydactyly-hydrocephalus syndrome. Also called: MEG-PMG-MEGACC SYNDROME; MPPH Syndrome. Identifiers: Orphanet 83473, MedGen C1863924, MONDO:0019375.
PIK3R2-related disorder. Also called: PIK3R2-related condition.

Allele frequency attached by ClinVar (database versions not stated): TOPMed 0.00002; gnomAD 0.00004; gnomAD exomes 0.00004; ExAC 0.00011.
gnomAD v4.1: 62 of 1,570,126 alleles (0.0039%); highest among the groups gnomAD compares: South Asian, 0.01%; no homozygotes.

Submissions (2):

Labcorp Genetics (formerly Invitae), Labcorp
Classification: Likely benign for Megalencephaly-polymicrogyria-postaxial polydactyly-hydrocephalus syndrome. Last evaluated: 2023-07-12. Review status: criteria provided, single submitter. Criteria: Invitae Variant Classification Sherloc (09022015). Collection method: clinical testing. Allele origin: germline.

PreventionGenetics, part of Exact Sciences
Classification: Likely benign for PIK3R2-related condition. Last evaluated: 2022-01-07. Review status: no assertion criteria provided. Collection method: clinical testing. Allele origin: germline. Not counted in ClinVar's aggregate classification.
Comment: This variant is classified as likely benign based on ACMG/AMP sequence variant interpretation guidelines (Richards et al. 2015 PMID: 25741868, with internal and published modifications).